The following is an entry in ClinVar:

NC_000010.10:g.(?_88809958)_(88817540_88818906)dup

Gene: GLUD1 (glutamate dehydrogenase 1; minus strand). Cytogenetic location: 10q23.2.
Variant type: Duplication.
Identifiers: ClinVar variation 4688365 (VCV004688365.1).

ClinVar aggregate classification (germline): Uncertain significance (1 of 4 stars; one submission).

Submission:

Women's Health and Genetics/Laboratory Corporation of America, LabCorp
Classification: Uncertain significance. Last evaluated: 2025-12-11. Review status: criteria provided, single submitter. Criteria: LabCorp Variant Classification Summary - May 2015. Collection method: clinical testing. Allele origin: germline.
Comment: Variant summary: The variant involves the duplication of exons 11-13 in the GLUD1 gene. A presumed nomenclature of c.(1402+1_1403-1)_(*1550_?)dup has been designated for the purposes of this classification. The variant was absent in 21694 control chromosomes (gnomAD). The exact breakpoint at the 3' end of this variant is unknown, therefore this duplication may extend downstream of the annotated region of the gene. As it duplicates the termination codon, its effect on the encoded protein is unknown. The available data on variant occurrences in the general population are insufficient to allow any conclusion about variant significance. To our knowledge, no occurrence of c.(1402+1_1403-1)_(*1550_?)dup in individuals affected with GLUD1-related conditions and no experimental evidence demonstrating its impact on protein function have been reported. No submitters have cited clinical-significance assessments for this variant to ClinVar. Based on the evidence outlined above, the variant was classified as uncertain significance.